The following is an entry in ClinVar:

NM_000719.7(CACNA1C):c.3819C>G (p.Phe1273Leu)

Gene: CACNA1C (calcium voltage-gated channel subunit alpha1 C; plus strand). Cytogenetic location: 12p13.33.
Variant type: single nucleotide variant.
Coding change: c.3819C>G on transcript NM_000719.7 (MANE Select); coding-DNA position 3819, C replaced by G.
Protein change: p.Phe1273Leu; replaces phenylalanine 1273 with leucine.
Molecular consequence: missense variant.
Genome position (GRCh38, 1-based): chr12:2,612,004, C>G. VCF-style: chr12-2612004-C-G. GRCh37 (hg19) VCF-style: chr12-2721170-C-G.
Other names: c.3879C>G, p.Phe1293Leu (NM_001129827.2, NM_001129832.2, NM_199460.4); c.3819C>G, p.Phe1273Leu (NM_001129829.2, NM_001129830.3, NM_001129831.2 and 15 more transcripts); c.3810C>G, p.Phe1270Leu (NM_001129844.2); short protein forms F1273L, F1270L, F1293L.
Identifiers: ClinVar variation 1982405 (VCV001982405.4), dbSNP rs1334134055, ClinGen allele CA383377464.

ClinVar aggregate classification (germline): Uncertain significance (1 of 4 stars; one submission).

Conditions:
Long QT syndrome (LQTS). Identifiers: MedGen C0023976, MeSH D008133, MONDO:0002442. Disease mechanism: loss of function. Inheritance: Various modes of inheritance.

Allele frequency attached by ClinVar (database versions not stated): TOPMed below 0.00001; gnomAD 0.00001; gnomAD exomes 0.00001.
gnomAD v4.1: 13 of 1,596,292 alleles (0.00081%); highest among the groups gnomAD compares: East Asian, 0.029%; no homozygotes.

Submission:

Labcorp Genetics (formerly Invitae), Labcorp
Classification: Uncertain significance for Long QT syndrome. Last evaluated: 2024-10-16. Review status: criteria provided, single submitter. Criteria: Invitae Variant Classification Sherloc (09022015). Collection method: clinical testing. Allele origin: germline.
Comment: This sequence change replaces phenylalanine, which is neutral and non-polar, with leucine, which is neutral and non-polar, at codon 1273 of the CACNA1C protein (p.Phe1273Leu). This variant is not present in population databases (gnomAD no frequency). This variant has not been reported in the literature in individuals affected with CACNA1C-related conditions. ClinVar contains an entry for this variant (Variation ID: 1982405). Invitae Evidence Modeling of protein sequence and biophysical properties (such as structural, functional, and spatial information, amino acid conservation, physicochemical variation, residue mobility, and thermodynamic stability) indicates that this missense variant is not expected to disrupt CACNA1C protein function with a negative predictive value of 95%. In summary, the available evidence is currently insufficient to determine the role of this variant in disease. Therefore, it has been classified as a Variant of Uncertain Significance.